The following is an entry in ClinVar:

NM_000506.5(F2):c.695T>A (p.Leu232His)

Gene: F2 (coagulation factor II, thrombin; plus strand). Cytogenetic location: 11p11.2.
Variant type: single nucleotide variant.
Coding change: c.695T>A on transcript NM_000506.5 (MANE Select); coding-DNA position 695, T replaced by A.
Protein change: p.Leu232His; replaces leucine 232 with histidine.
Molecular consequence: missense variant.
Genome position (GRCh38, 1-based): chr11:46,725,994, T>A. VCF-style: chr11-46725994-T-A. GRCh37 (hg19) VCF-style: chr11-46747544-T-A.
Other names: short protein forms L232H.
Identifiers: ClinVar variation 2587185 (VCV002587185.2), dbSNP rs2502828702, ClinGen allele CA380265066.

ClinVar aggregate classification (germline): Uncertain significance (1 of 4 stars; one submission).

Conditions:
Inborn genetic diseases. Identifiers: MedGen C0950123, MeSH D030342.

gnomAD v4.1: 6 of 1,613,878 alleles (0.00037%); highest among the groups gnomAD compares: Non-Finnish European, 0.00051%; no homozygotes.

Submission:

Ambry Genetics
Classification: Uncertain significance for Inborn genetic diseases. Last evaluated: 2023-09-14. Review status: criteria provided, single submitter. Criteria: Ambry Variant Classification Scheme 2023. Collection method: clinical testing. Allele origin: germline.
Comment: The p.L232H variant (also known as c.695T>A), located in coding exon 7 of the F2 gene, results from a T to A substitution at nucleotide position 695. The leucine at codon 232 is replaced by histidine, an amino acid with similar properties. This amino acid position is conserved. In addition, this alteration is predicted to be tolerated by in silico analysis. Since supporting evidence is limited at this time, the clinical significance of this alteration remains unclear.